The following is an entry in ClinVar:

NM_207346.3(TSEN54):c.734C>T (p.Pro245Leu)

Gene: TSEN54 (tRNA splicing endonuclease subunit 54; plus strand). Cytogenetic location: 17q25.1.
Variant type: single nucleotide variant.
Coding change: c.734C>T on transcript NM_207346.3 (MANE Select); coding-DNA position 734, C replaced by T.
Protein change: p.Pro245Leu; replaces proline 245 with leucine.
Molecular consequence: missense variant.
Genome position (GRCh38, 1-based): chr17:75,521,815, C>T. VCF-style: chr17-75521815-C-T. GRCh37 (hg19) VCF-style: chr17-73517896-C-T.
Other names: short protein forms P245L.
Identifiers: ClinVar variation 1426308 (VCV001426308.3), dbSNP rs1276301439, ClinGen allele CA401028820.
Genomic context (GRCh38, chr17:75,521,815, plus strand): 5'-GTCTGGCAGCCTCCAGCCCACCTCCCTGCAGCCAGCCCAGCCAATGCCCAGAGGAGAAAC[C>T]CCAGGAGTCAAGCCCCATGAAGGGCCCAGGGGGCCCCTTTCAGCTTCTGGGGTCCCTGGG-3'
Protein context (NP_997229.2, residues 235-255): SQPSQCPEEK[Pro245Leu]QESSPMKGPG

ClinVar aggregate classification (germline): Uncertain significance (1 of 4 stars; one submission).

gnomAD v4.1: 6 of 1,613,066 alleles (0.00037%); highest among the groups gnomAD compares: Non-Finnish European, 0.00051%; no homozygotes.

Submission:

Labcorp Genetics (formerly Invitae), Labcorp
Classification: Uncertain significance. Last evaluated: 2021-09-02. Review status: criteria provided, single submitter. Criteria: Invitae Variant Classification Sherloc (09022015). Collection method: clinical testing. Allele origin: germline.
Comment: This sequence change replaces proline with leucine at codon 245 of the TSEN54 protein (p.Pro245Leu). The proline residue is moderately conserved and there is a moderate physicochemical difference between proline and leucine. This variant is not present in population databases (ExAC no frequency). This variant has not been reported in the literature in individuals affected with TSEN54-related conditions. Algorithms developed to predict the effect of missense changes on protein structure and function are either unavailable or do not agree on the potential impact of this missense change (SIFT: "Deleterious"; PolyPhen-2: "Benign"; Align-GVGD: "Class C0"). In summary, the available evidence is currently insufficient to determine the role of this variant in disease. Therefore, it has been classified as a Variant of Uncertain Significance.